The following is an entry in ClinVar:

NM_024721.5(ZFHX4):c.1357G>A (p.Val453Ile)

Gene: ZFHX4 (zinc finger homeobox 4; plus strand). Cytogenetic location: 8q21.13.
Variant type: single nucleotide variant.
Coding change: c.1357G>A on transcript NM_024721.5 (MANE Select); coding-DNA position 1357, G replaced by A.
Protein change: p.Val453Ile; replaces valine 453 with isoleucine.
Molecular consequence: missense variant.
Genome position (GRCh38, 1-based): chr8:76,705,445, G>A. VCF-style: chr8-76705445-G-A. GRCh37 (hg19) VCF-style: chr8-77617680-G-A.
Other names: c.1357G>A, p.Val453Ile (NM_001410934.1); short protein forms V453I.
Identifiers: ClinVar variation 3473285 (VCV003473285.5).
Genomic context (GRCh38, chr8:76,705,445, plus strand): 5'-AGCAAGATGTCAGAGAGCAAAGACCAAGAGAACAACTGTGAAAGGCCAAAAGAAAGCAAC[G>A]TTTTACACCCAAACGGGGAGTGCCCTGTCAAAAGTGAACCCACTGAACCGGGAGATGAGG-3'
Protein context (NP_078997.4, residues 443-463): NNCERPKESN[Val453Ile]LHPNGECPVK

ClinVar aggregate classification (germline): Conflicting classifications of pathogenicity. Review status: criteria provided, conflicting classifications (1 of 4 stars). 2 submissions from 2 submitters: Uncertain significance (1); Likely benign (1). Last evaluated 2026-02-01.

gnomAD v4.1: 32 of 1,613,598 alleles (0.002%); highest among the groups gnomAD compares: Admixed American, 0.0033%; no homozygotes.

Submissions (2):

CeGaT Center for Human Genetics Tuebingen
Classification: Likely benign. Last evaluated: 2026-02-01. Review status: criteria provided, single submitter. Criteria: CeGaT Center For Human Genetics Tuebingen Variant Classification Criteria Version 2. Collection method: clinical testing. Allele origin: germline. Affected: yes. Observed: 1 variant allele.
Comment: ZFHX4: BP4

Ambry Genetics
Classification: Uncertain significance. Last evaluated: 2024-11-26. Review status: criteria provided, single submitter. Criteria: Ambry Variant Classification Scheme 2023. Collection method: clinical testing. Allele origin: germline.